The following is an entry in ClinVar:

ClinVar aggregate classification (germline): Uncertain significance (1 of 4 stars; one submission).

Conditions:
Hajdu-Cheney syndrome (HJCYS). Also called: ACROOSTEOLYSIS WITH OSTEOPOROSIS AND CHANGES IN SKULL AND MANDIBLE; SERPENTINE FIBULA-POLYCYSTIC KIDNEY SYNDROME; Acroosteolysis dominant type. Identifiers: Orphanet 955, MedGen C0917715, MONDO:0007057, OMIM 102500.

Allele frequency attached by ClinVar (database versions not stated): gnomAD exomes below 0.00001; TOPMed below 0.00001; ExAC 0.00001; gnomAD 0.00001.

Submission:

Labcorp Genetics (formerly Invitae), Labcorp
Classification: Uncertain significance for Hajdu-Cheney syndrome. Last evaluated: 2025-07-10. Review status: criteria provided, single submitter. Criteria: Invitae Variant Classification Sherloc (09022015). Collection method: clinical testing. Allele origin: germline.
Comment: This sequence change replaces valine, which is neutral and non-polar, with leucine, which is neutral and non-polar, at codon 1114 of the NOTCH2 protein (p.Val1114Leu). This variant is present in population databases (rs782456562, gnomAD 0.0009%). This variant has not been reported in the literature in individuals affected with NOTCH2-related conditions. ClinVar contains an entry for this variant (Variation ID: 2810573). An algorithm developed to predict the effect of missense changes on protein structure and function outputs the following: PolyPhen-2: "Benign". The leucine amino acid residue is found in multiple mammalian species, which suggests that this missense change does not adversely affect protein function. In summary, the available evidence is currently insufficient to determine the role of this variant in disease. Therefore, it has been classified as a Variant of Uncertain Significance.

NM_024408.4(NOTCH2):c.3340G>T (p.Val1114Leu)

Gene: NOTCH2 (notch receptor 2; minus strand). Cytogenetic location: 1p12.
Variant type: single nucleotide variant.
Coding change: c.3340G>T on transcript NM_024408.4 (MANE Select); coding-DNA position 3340, G replaced by T.
Protein change: p.Val1114Leu; replaces valine 1114 with leucine.
Molecular consequence: missense variant.
Genome position (GRCh38, 1-based): chr1:119,937,464, C>A on the plus strand (G>T on the coding strand, the complement: NOTCH2 is on the minus strand). VCF-style: chr1-119937464-C-A. GRCh37 (hg19) VCF-style: chr1-120480087-C-A.
Other names: c.3340G>T, p.Val1114Leu (NM_001200001.2); short protein forms V1114L.
Identifiers: ClinVar variation 2810573 (VCV002810573.3), dbSNP rs782456562, ClinGen allele CA1040083.